The following is an entry in ClinVar:

NM_001754.5(RUNX1):c.507A>G (p.Arg169=)

Genes: RUNX1 (RUNX family transcription factor 1; minus strand), RUNX1-AS1 (RUNX1 antisense RNA 1; plus strand). Cytogenetic location: 21q22.12.
Variant type: single nucleotide variant.
Coding change: c.507A>G on transcript NM_001754.5 (MANE Select); coding-DNA position 507, A replaced by G.
Protein change: p.Arg169=; no amino-acid change (arginine 169 retained).
Molecular consequence: synonymous variant.
Genome position (GRCh38, 1-based): chr21:34,880,558, T>C on the plus strand (A>G on the coding strand, the complement: RUNX1 is on the minus strand). VCF-style: chr21-34880558-T-C. GRCh37 (hg19) VCF-style: chr21-36252855-T-C.
Other names: NM_001754.5(RUNX1):c.507A>G; p.Arg169_Gly170=; c.426A>G, p.Arg142= (NM_001001890.3, NM_001122607.2).
Identifiers: ClinVar variation 2071711 (VCV002071711.5), dbSNP rs2146360219, ClinGen allele CA512318634.
Genomic context (GRCh38, chr21:34,880,558, plus strand): 5'-GAAATGTGGGTTTGTTGCCATGAAACGTGTTTCAAGCATAGTTTTGACAGATAACGTACC[T>C]CTTCCACTTCGACCGACAAACCTGAGGTCATTAAATCTTGCAACCTGGTTCTTCATGGCT-3'
Protein context (NP_001745.2, residues 159-179): NDLRFVGRSG[Arg169=]GKSFTLTITV

ClinVar aggregate classification (germline): Uncertain significance. Review status: reviewed by expert panel (3 of 4 stars). 2 submissions from 2 submitters: Uncertain significance (1). 1 of the submissions does not count toward it. Last evaluated 2024-07-17.

Conditions:
Hereditary thrombocytopenia and hematologic cancer predisposition syndrome. Identifiers: Orphanet 71290, MedGen CN281654, MONDO:0011071.
Hereditary thrombocytopenia and hematological cancer predisposition syndrome associated with RUNX1. Also called: Familial Platelet Disorder with Propensity to Acute Myelogenous Leukemia; Familial thrombocytopenia with propensity to acute myelogenous leukemia; PLATELET DISORDER, ASPIRIN-LIKE; RUNX1 Familial Platelet Disorder with Associated Myeloid Malignancies. Identifiers: Orphanet 71290, MedGen C1832388, MeSH C563324, MONDO:0100083, OMIM 601399.

Submissions (2):

ClinGen Myeloid Malignancy Variant Curation Expert Panel
Classification: Uncertain significance for Hereditary thrombocytopenia and hematologic cancer predisposition syndrome. Last evaluated: 2024-07-17. Review status: reviewed by expert panel. Criteria: ClinGen MyeloMalig ACMG Specifications v2. Collection method: curation. Allele origin: germline. Inheritance: Autosomal dominant inheritance.
Comment: NM_001754.5(RUNX1):c.507A>G (p.Arg169_Gly170=) is a synonymous variant that is completely absent from all population databases with at least 20x coverage for RUNX1 in gnomAD v2.1.1 and v3.1.2 (PM2_supporting). It alters the last three bases of an exon preceding a splice donor site or the first three bases of an exon following an acceptor splice site, with a predicted decrease in the score of the canonical splice site (measured by both MES and SSF) of at least 75%, regardless of the predicted creation/presence of a putative cryptic splice site (Splice AI score: 0.59) (PP3). This variant was reported in ClinVar in 2022 by Invitae, but the affected status of the proband is unknown (Variation ID 2071711). In summary, the clinical significance of this variant is uncertain. ACMG/AMP criteria have been applied, as specified by the Myeloid Malignancy Variant Curation Expert Panel for RUNX1: PM2_supporting, PP3.

Labcorp Genetics (formerly Invitae), Labcorp
Classification: Uncertain significance for Hereditary thrombocytopenia and hematological cancer predisposition syndrome associated with RUNX1. Last evaluated: 2022-03-08. Review status: criteria provided, single submitter. Criteria: Invitae Variant Classification Sherloc (09022015). Collection method: clinical testing. Allele origin: germline. Not counted in ClinVar's aggregate classification.
Comment: In summary, the available evidence is currently insufficient to determine the role of this variant in disease. Therefore, it has been classified as a Variant of Uncertain Significance. Studies have shown that this variant results in activation of a cryptic splice site and introduces a premature termination codon (Invitae). The resulting mRNA is expected to undergo nonsense-mediated decay. This variant has not been reported in the literature in individuals affected with RUNX1-related conditions. This variant is not present in population databases (gnomAD no frequency). This sequence change affects codon 169 of the RUNX1 mRNA. It is a 'silent' change, meaning that it does not change the encoded amino acid sequence of the RUNX1 protein. RNA analysis indicates that this variant induces altered splicing and may result in an absent or disrupted protein product.